The following is an entry in ClinVar:

NM_002958.4(RYK):c.149C>T (p.Pro50Leu)

Gene: RYK (receptor like tyrosine kinase; minus strand). Cytogenetic location: 3q22.2.
Variant type: single nucleotide variant.
Coding change: c.149C>T on transcript NM_002958.4 (MANE Select); coding-DNA position 149, C replaced by T.
Protein change: p.Pro50Leu; replaces proline 50 with leucine.
Molecular consequence: missense variant.
Genome position (GRCh38, 1-based): chr3:134,250,506, G>A on the plus strand (C>T on the coding strand, the complement: RYK is on the minus strand). VCF-style: chr3-134250506-G-A. GRCh37 (hg19) VCF-style: chr3-133969350-G-A.
Other names: c.149C>T, p.Pro50Leu (NM_001005861.3); short protein forms P50L.
Identifiers: ClinVar variation 3034688 (VCV003034688.1), dbSNP rs2015586744, ClinGen allele CA354731410.

ClinVar aggregate classification (germline): Likely benign (1 of 4 stars; one submission).

Conditions:
RYK-related disorder. Also called: RYK-related condition.

Allele frequency attached by ClinVar (database versions not stated): gnomAD exomes below 0.00001; TOPMed 0.00001.

Submission:

PreventionGenetics, part of Exact Sciences
Classification: Likely benign for RYK-related condition. Last evaluated: 2020-05-19. Review status: criteria provided, single submitter. Criteria: ACMG Guidelines, 2015. Collection method: clinical testing. Allele origin: germline.
Comment: This variant is classified as likely benign based on ACMG/AMP sequence variant interpretation guidelines (Richards et al. 2015 PMID: 25741868, with internal and published modifications).